The following is an entry in ClinVar:

NM_004974.4(KCNA2):c.212C>T (p.Pro71Leu)

Gene: KCNA2 (potassium voltage-gated channel subfamily A member 2; minus strand). Cytogenetic location: 1p13.3.
Variant type: single nucleotide variant.
Coding change: c.212C>T on transcript NM_004974.4 (MANE Select); coding-DNA position 212, C replaced by T.
Protein change: p.Pro71Leu; replaces proline 71 with leucine.
Molecular consequence: missense variant.
Genome position (GRCh38, 1-based): chr1:110,604,571, G>A on the plus strand (C>T on the coding strand, the complement: KCNA2 is on the minus strand). VCF-style: chr1-110604571-G-A. GRCh37 (hg19) VCF-style: chr1-111147193-G-A.
Other names: c.212C>T, p.Pro71Leu (NM_001204269.2); short protein forms P71L.
Identifiers: ClinVar variation 1803179 (VCV001803179.1), dbSNP rs2524623005, ClinGen allele CA341606385.

ClinVar aggregate classification (germline): Uncertain significance (1 of 4 stars; one submission).

Conditions:
Developmental and epileptic encephalopathy, 32 (DEE32). Also called: Epileptic encephalopathy, early infantile, 32. Identifiers: Orphanet 442835, MedGen C4225350, MONDO:0014607, OMIM 616366.

Submission:

Genetics and Molecular Pathology, SA Pathology
Classification: Uncertain significance for Developmental and epileptic encephalopathy, 32. Last evaluated: 2022-02-04. Review status: criteria provided, single submitter. Criteria: ACMG Guidelines, 2015. Collection method: clinical testing. Allele origin: germline. Inheritance: Autosomal dominant inheritance. Affected: yes.
Comment: The KCNA2 c.212C>T variant is classified as a VARIANT OF UNCERTAIN SIGNIFICANCE (PM2, PP3) This variant is a single nucleotide change in exon 3/3 of the KCNA2 gene, which is predicted to change the amino acid proline at position 71 in the protein to leucine. The variant has not been reported in dbSNP and is absent from population databases (PM2). The variant has not been reported in the ClinVar or HGMD databases. Computational predictions support the deleterious effect on the gene or gene product (PP3).